The following is an entry in ClinVar:

NM_000038.6(APC):c.4098T>C (p.Ala1366=)

Gene: APC (APC regulator of Wnt signaling pathway; plus strand). Cytogenetic location: 5q22.2.
Variant type: single nucleotide variant.
Coding change: c.4098T>C on transcript NM_000038.6 (MANE Select); coding-DNA position 4098, T replaced by C.
Protein change: p.Ala1366=; no amino-acid change (alanine 1366 retained).
Molecular consequence: synonymous variant.
Genome position (GRCh38, 1-based): chr5:112,839,692, T>C. VCF-style: chr5-112839692-T-C. GRCh37 (hg19) VCF-style: chr5-112175389-T-C.
Other names: c.4098T>C, p.Ala1366= (NM_001127510.3, NM_001354895.2); c.4044T>C, p.Ala1348= (NM_001127511.3); c.4152T>C, p.Ala1384= (NM_001354896.2); c.4128T>C, p.Ala1376= (NM_001354897.2); c.4023T>C, p.Ala1341= (NM_001354898.2); c.4014T>C, p.Ala1338= (NM_001354899.2); c.3975T>C, p.Ala1325= (NM_001354900.2); c.3921T>C, p.Ala1307= (NM_001354901.2); and 5 more.
Identifiers: ClinVar variation 824587 (VCV000824587.16), dbSNP rs1035647216, ClinGen allele CA125167782.

ClinVar aggregate classification (germline): Benign/Likely benign. Review status: criteria provided, multiple submitters, no conflicts (2 of 4 stars). 4 submissions from 4 submitters: Benign (1); Likely benign (3). Last evaluated 2025-12-22.

Conditions:
Hereditary cancer-predisposing syndrome. Also called: Neoplastic Syndromes, Hereditary; Tumor predisposition; Hereditary neoplastic syndrome; Hereditary Cancer Syndrome. Identifiers: Orphanet 140162, MedGen C0027672, MeSH D009386, MONDO:0015356.
Familial adenomatous polyposis 1 (FAP1). Also called: POLYPOSIS, ADENOMATOUS INTESTINAL; FAMILIAL ADENOMATOUS POLYPOSIS 1, ATTENUATED. Identifiers: MedGen C2713442, MONDO:0021056, OMIM 175100. Disease mechanism: loss of function.

Allele frequency attached by ClinVar (database versions not stated): TOPMed 0.00001.

Submissions (4):

Labcorp Genetics (formerly Invitae), Labcorp
Classification: Likely benign for Familial adenomatous polyposis 1. Last evaluated: 2025-12-22. Review status: criteria provided, single submitter. Criteria: Invitae Variant Classification Sherloc (09022015). Collection method: clinical testing. Allele origin: germline.

Myriad Genetics, Inc.
Classification: Benign for Familial adenomatous polyposis 1. Last evaluated: 2024-03-25. Review status: criteria provided, single submitter. Criteria: Myriad Autosomal Dominant, Autosomal Recessive and X-Linked Classification Criteria (2023). Collection method: clinical testing. Allele origin: unknown.
Comment: This variant is considered benign. This variant is a silent/synonymous amino acid change and it is not expected to impact splicing.

Color Diagnostics, LLC DBA Color Health
Classification: Likely benign for Hereditary cancer-predisposing syndrome. Last evaluated: 2019-05-14. Review status: criteria provided, single submitter. Criteria: ACMG Guidelines, 2015. Collection method: clinical testing. Allele origin: germline.

Ambry Genetics
Classification: Likely benign for Hereditary cancer-predisposing syndrome. Last evaluated: 2019-02-25. Review status: criteria provided, single submitter. Criteria: Ambry Variant Classification Scheme 2023. Collection method: clinical testing. Allele origin: germline.